The following is an entry in ClinVar:

ClinVar aggregate classification (germline): Benign/Likely benign. Review status: criteria provided, multiple submitters, no conflicts (2 of 4 stars). 4 submissions from 4 submitters: Benign (3); Likely benign (1). Last evaluated 2026-09-01.

Allele frequency attached by ClinVar (database versions not stated): 1000 Genomes Project 30x 0.00297; 1000 Genomes Project 0.00300; gnomAD exomes 0.00538 and 0.00743; ESP Exome Variant Server 0.00577; gnomAD 0.00595 and 0.00621; TOPMed 0.00665; ExAC 0.00716.

Submissions (4):

CeGaT Center for Human Genetics Tuebingen
Classification: Likely benign. Last evaluated: 2026-09-01. Review status: criteria provided, single submitter. Criteria: CeGaT Center For Human Genetics Tuebingen Variant Classification Criteria Version 2. Collection method: clinical testing. Allele origin: germline. Affected: yes. Observed: 7 variant alleles.
Comment: CEP250: BP4, BS2

Labcorp Genetics (formerly Invitae), Labcorp
Classification: Benign. Last evaluated: 2026-01-21. Review status: criteria provided, single submitter. Criteria: Invitae Variant Classification Sherloc (09022015). Collection method: clinical testing. Allele origin: germline.

Mayo Clinic Laboratories, Mayo Clinic
Classification: Benign. Last evaluated: 2023-05-01. Review status: criteria provided, single submitter. Criteria: ACMG Guidelines, 2015. Collection method: clinical testing. Allele origin: germline. Observed: 2 variant alleles.
Comment: BA1, BS2

Breakthrough Genomics
Classification: Benign. Review status: criteria provided, single submitter. Criteria: ACMG Guidelines, 2015. Collection method: not provided. Allele origin: germline. Inheritance: Autosomal recessive inheritance. Affected: yes.

NM_007186.6(CEP250):c.6016G>A (p.Asp2006Asn)

Gene: CEP250 (centrosomal protein 250; plus strand). Cytogenetic location: 20q11.22.
Variant type: single nucleotide variant.
Coding change: c.6016G>A on transcript NM_007186.6 (MANE Select); coding-DNA position 6016, G replaced by A.
Protein change: p.Asp2006Asn; replaces aspartic acid 2006 with asparagine.
Molecular consequence: missense variant.
Genome position (GRCh38, 1-based): chr20:35,504,385, G>A. VCF-style: chr20-35504385-G-A. GRCh37 (hg19) VCF-style: chr20-34092213-G-A.
Other names: p.Asp2006Asn; c.4120G>A, p.Asp1374Asn (NM_001318219.1); short protein forms D1374N, D2006N.
Identifiers: ClinVar variation 769468 (VCV000769468.40), dbSNP rs61729988, ClinGen allele CA9833984.